The following is an entry in ClinVar:

NM_024685.4(BBS10):c.1904A>G (p.Asn635Ser)

Gene: BBS10 (Bardet-Biedl syndrome 10; minus strand). Cytogenetic location: 12q21.2.
Variant type: single nucleotide variant.
Coding change: c.1904A>G on transcript NM_024685.4 (MANE Select); coding-DNA position 1904, A replaced by G.
Protein change: p.Asn635Ser; replaces asparagine 635 with serine.
Molecular consequence: missense variant.
Genome position (GRCh38, 1-based): chr12:76,346,081, T>C on the plus strand (A>G on the coding strand, the complement: BBS10 is on the minus strand). VCF-style: chr12-76346081-T-C. GRCh37 (hg19) VCF-style: chr12-76739861-T-C.
Other names: short protein forms N635S.
Identifiers: ClinVar variation 4997692 (VCV004997692.1).

ClinVar aggregate classification (germline): Uncertain significance (1 of 4 stars; one submission).

Conditions:
BBS10-related disorder. Also called: BBS10-related condition.

gnomAD v4.1: 2 of 1,613,362 alleles (0.00012%); highest among the groups gnomAD compares: Non-Finnish European, 0.00017%; no homozygotes.

Submission:

PreventionGenetics, part of Exact Sciences
Classification: Uncertain significance for BBS10-related condition. Last evaluated: 2024-11-15. Review status: criteria provided, single submitter. Criteria: ACMG Guidelines, 2015. Collection method: clinical testing. Allele origin: germline.
Comment: The BBS10 c.1904A>G variant is predicted to result in the amino acid substitution p.Asn635Ser. To our knowledge, this variant has not been reported in the literature. This variant is reported in 0.0035% of alleles in individuals of European (Non-Finnish) descent in gnomAD. At this time, the clinical significance of this variant is uncertain due to the absence of conclusive functional and genetic evidence.